The following is an entry in ClinVar:

ClinVar aggregate classification (germline): Pathogenic/Likely pathogenic. Review status: criteria provided, multiple submitters, no conflicts (2 of 4 stars). 8 submissions from 8 submitters: Pathogenic (5); Likely pathogenic (3). Last evaluated 2026-04-15.

Conditions:
CYP24A1-related disorder. Also called: CYP24A1-related condition.
Inborn genetic diseases. Identifiers: MedGen C0950123, MeSH D030342.
Renal tubulopathies.
Hypercalcemia, infantile, 1 (HCINF1). Identifiers: Orphanet 300547, MedGen CN031131, MONDO:0020739, OMIM 143880.

Submissions (8):

Genetics Laboratory, Great Ormond Street Hospital NHS Foundation Trust, North Thames Genomic Laboratory Hub
Classification: Likely pathogenic for Renal tubulopathies. Last evaluated: 2026-04-15. Review status: criteria provided, single submitter. Criteria: ACGS Best Practice Guidelines for Variant Classification in Rare Disease 2024 v1.2. Collection method: clinical testing. Allele origin: germline. Affected: yes.
Comment: PM2_moderate, PVS1_moderate, PM3_moderate

Labcorp Genetics (formerly Invitae), Labcorp
Classification: Pathogenic. Last evaluated: 2025-05-04. Review status: criteria provided, single submitter. Criteria: Invitae Variant Classification Sherloc (09022015). Collection method: clinical testing. Allele origin: germline.
Comment: This sequence change creates a premature translational stop signal (p.Pro21Argfs*8) in the CYP24A1 gene. It is expected to result in an absent or disrupted protein product. Loss-of-function variants in CYP24A1 are known to be pathogenic (PMID: 21675912). This variant is present in population databases (rs774432244, gnomAD 0.007%). This premature translational stop signal has been observed in individual(s) with infantile hypercalcemia (PMID: 25446019). ClinVar contains an entry for this variant (Variation ID: 632376). For these reasons, this variant has been classified as Pathogenic.

Ambry Genetics
Classification: Pathogenic for Inborn genetic diseases. Last evaluated: 2025-03-05. Review status: criteria provided, single submitter. Criteria: Ambry Variant Classification Scheme 2023. Collection method: clinical testing. Allele origin: germline.
Comment: The c.62delC (p.P21Rfs*8) alteration, located in exon 1 (coding exon 1) of the CYP24A1 gene, consists of a deletion of one nucleotide at position 62, causing a translational frameshift with a predicted alternate stop codon after 8 amino acids. This alteration is expected to result in loss of function by premature protein truncation or nonsense-mediated mRNA decay. Based on data from gnomAD, the c.62delC (p.P21Rfs*8) alteration has an overall frequency of 0.003% (7/221272) total alleles studied. The highest observed frequency was 0.007% (7/97606) of European (non-Finnish) alleles. This variant has been identified in conjunction with other CYP24A1 variants in individuals with features consistent with CYP24A1-related infantile hypercalcemia (Molin, 2021; Baudart, 2017; Molin, 2015; Figueres, 2015). Based on the available evidence, this alteration is classified as pathogenic.

PreventionGenetics, part of Exact Sciences
Classification: Pathogenic for CYP24A1-related condition. Last evaluated: 2024-10-31. Review status: criteria provided, single submitter. Criteria: ACMG Guidelines, 2015. Collection method: clinical testing. Allele origin: germline.
Comment: The CYP24A1 c.62delC variant is predicted to result in a frameshift and premature protein termination (p.Pro21Argfs*8). This variant has been reported in the compound heterozygous state in multiple individuals with hypercalcemia (Figueres et al. 2015. PubMed ID: 25446019; Baudert et al. 2017. PubMed ID: 28109821; Table S1, Sullivan et al. 2024. PubMed ID: 37853563). It has also been reported in the heterozygous state in an individual with mild hypercalcemia and multiple kidney cysts (Hanna et al. 2021. PubMed ID: 34307984). This variant is reported in 0.0072% of alleles in individuals of European (non-Finnish) descent in gnomAD. Frameshift variants in CYP24A1 are expected to be pathogenic. This variant is interpreted as pathogenic.

Fulgent Genetics
Classification: Pathogenic for Hypercalcemia, infantile, 1. Last evaluated: 2024-05-01. Review status: criteria provided, single submitter. Criteria: ACMG Guidelines, 2015. Collection method: clinical testing. Allele origin: germline.

Duke University Health System Sequencing Clinic, Duke University Health System
Classification: Pathogenic for Hypercalcemia, infantile, 1. Last evaluated: 2023-04-20. Review status: criteria provided, single submitter. Criteria: ACMG Guidelines, 2015. Collection method: research. Allele origin: paternal. Affected: yes.

GeneDx
Classification: Likely pathogenic. Last evaluated: 2023-01-24. Review status: criteria provided, single submitter. Criteria: GeneDx Variant Classification Process June 2021. Collection method: clinical testing. Allele origin: germline. Affected: yes.
Comment: Frameshift variant predicted to result in protein truncation or nonsense mediated decay in a gene for which loss of function is a known mechanism of disease; This variant is associated with the following publications: (PMID: 34721296, 26214117, 25446019, 33288743, 34307984, 28109821, 31188746)

Illumina Laboratory Services, Illumina
Classification: Likely pathogenic for Hypercalcemia, infantile, 1. Last evaluated: 2019-01-08. Review status: criteria provided, single submitter. Criteria: ICSL Variant Classification Criteria 09 May 2019. Collection method: clinical testing. Allele origin: germline.
Comment: The CYP24A1 c.62delC (p.Pro21ArgfsTer8) variant results in a frameshift, and is predicted to result in premature termination of the protein. Control data are not available for this variant, but it is reported at a frequency of 0.00007172 in the European (non-Finnish) population of the Genome Aggregation Database. Based on the evidence, the p.Pro21ArgfsTer8 variant is classified as likely pathogenic for hypercalcemia. This variant was observed by ICSL as part of a predisposition screen in an ostensibly healthy population.

Literature cited by the submitters: PubMed 21675912 (cited by Labcorp Genetics (formerly Invitae), Labcorp); PubMed 25446019 (cited by Labcorp Genetics (formerly Invitae), Labcorp and Ambry Genetics); PubMed 26214117 (cited by Ambry Genetics and Illumina Laboratory Services, Illumina); PubMed 28109821 (cited by Ambry Genetics and Illumina Laboratory Services, Illumina); PubMed 34721296 (cited by Ambry Genetics).

NM_000782.5(CYP24A1):c.62del (p.Pro21fs)

Gene: CYP24A1 (cytochrome P450 family 24 subfamily A member 1; minus strand). Cytogenetic location: 20q13.2.
Variant type: Deletion.
Coding change: c.62del on transcript NM_000782.5 (MANE Select); coding-DNA position 62, one base deleted (C; older notation c.62delC).
Protein change: p.Pro21fs; shifts the reading frame from proline 21.
Molecular consequence: frameshift variant.
Genome position (GRCh38, 1-based): chr20:54,173,518, G deleted on the plus strand (C on the coding strand, the reverse complement: CYP24A1 is on the minus strand); the first of 2 consecutive G bases (chr20:54,173,518-54,173,519); deleting either gives the same sequence. VCF-style (leftmost placement, unchanged base first): chr20-54173517-CG-C. GRCh37 (hg19) VCF-style: chr20-52790056-CG-C.
Other names: c.62delC (NM_000782.5); c.62del, p.Pro21fs (NM_001128915.2); c.62del (NM_000782.4); short protein forms P21fs.
Identifiers: ClinVar variation 632376 (VCV000632376.22), dbSNP rs774432244, ClinGen allele CA9916284.